The following is an entry in ClinVar:

NM_201384.3(PLEC):c.11435C>T (p.Pro3812Leu)

Gene: PLEC (plectin; minus strand). Cytogenetic location: 8q24.3.
Variant type: single nucleotide variant.
Coding change: c.11435C>T on transcript NM_201384.3 (MANE Select); coding-DNA position 11435, C replaced by T.
Protein change: p.Pro3812Leu; replaces proline 3812 with leucine.
Molecular consequence: missense variant.
Genome position (GRCh38, 1-based): chr8:143,918,386, G>A on the plus strand (C>T on the coding strand, the complement: PLEC is on the minus strand). VCF-style: chr8-143918386-G-A. GRCh37 (hg19) VCF-style: chr8-144992554-G-A.
Other names: c.11339C>T, p.Pro3780Leu (NM_201381.3); c.11435C>T, p.Pro3812Leu (NM_201382.4); c.11447C>T, p.Pro3816Leu (NM_201383.3); c.11516C>T, p.Pro3839Leu (NM_000445.5); c.8135C>T, p.Pro2712Leu (NM_001410941.1); c.11393C>T, p.Pro3798Leu (NM_201378.4); c.11369C>T, p.Pro3790Leu (NM_201379.3); c.11846C>T, p.Pro3949Leu (NM_201380.4); and 1 more; short protein forms P3780L, P3790L, P3798L, P3816L, P2712L, P3812L, P3839L, P3949L.
Identifiers: ClinVar variation 2925787 (VCV002925787.4), dbSNP rs1554675092, ClinGen allele CA372490740.

ClinVar aggregate classification (germline): Uncertain significance. Review status: criteria provided, multiple submitters, no conflicts (2 of 4 stars). 2 submissions from 2 submitters: Uncertain significance (2). Last evaluated 2025-10-28.

Conditions:
Epidermolysis bullosa simplex with nail dystrophy (EBS5D). Identifiers: MedGen C4225309, MONDO:0014661, OMIM 616487.
Epidermolysis bullosa simplex, Ogna type (EBS5A). Also called: EPIDERMOLYSIS BULLOSA SIMPLEX 5A, OGNA TYPE; Pidermolysis bullosa simplex 5A, Ogna type. Identifiers: Orphanet 79401, MedGen C0432317, MONDO:0007555, OMIM 131950.
Epidermolysis bullosa simplex 5C, with pyloric atresia (EBS5C). Also called: PLEC1-Related Epidermolysis Bullosa with Pyloric Atresia; PLEC-Related Epidermolysis Bullosa with Pyloric Atresia; Epidermolysis bullosa simplex with pyloric atresia. Identifiers: Orphanet 158684, MedGen C2677349, MONDO:0012807, OMIM 612138.
Autosomal recessive limb-girdle muscular dystrophy type 2Q (LGMDR17). Also called: MUSCULAR DYSTROPHY, LIMB-GIRDLE, AUTOSOMAL RECESSIVE 17. Identifiers: Orphanet 254361, MedGen C3150989, MONDO:0013390, OMIM 613723.
Epidermolysis bullosa simplex 5B, with muscular dystrophy (EBS5B). Also called: EPIDERMOLYSIS BULLOSA SIMPLEX AND LIMB-GIRDLE MUSCULAR DYSTROPHY; Epidermolysis bullosa simplex with muscular dystrophy. Identifiers: Orphanet 257, MedGen C2931072, MONDO:0009181, OMIM 226670.
Inborn genetic diseases. Identifiers: MedGen C0950123, MeSH D030342.

Allele frequency attached by ClinVar (database versions not stated): gnomAD exomes below 0.00001.
gnomAD v4.1: 5 of 1,566,836 alleles (0.00032%); highest among the groups gnomAD compares: Admixed American, 0.0055%; no homozygotes.

Submissions (2):

Ambry Genetics
Classification: Uncertain significance for Inborn genetic diseases. Last evaluated: 2025-10-28. Review status: criteria provided, single submitter. Criteria: Ambry Variant Classification Scheme 2023. Collection method: clinical testing. Allele origin: germline.

Labcorp Genetics (formerly Invitae), Labcorp
Classification: Uncertain significance for Autosomal recessive limb-girdle muscular dystrophy type 2Q; Epidermolysis bullosa simplex, Ogna type; Epidermolysis bullosa simplex with nail dystrophy; Epidermolysis bullosa simplex 5C, with pyloric atresia; Epidermolysis bullosa simplex 5B, with muscular dystrophy. Last evaluated: 2023-10-13. Review status: criteria provided, single submitter. Criteria: Invitae Variant Classification Sherloc (09022015). Collection method: clinical testing. Allele origin: germline.
Comment: This sequence change replaces proline, which is neutral and non-polar, with leucine, which is neutral and non-polar, at codon 3839 of the PLEC protein (p.Pro3839Leu). This variant is present in population databases (no rsID available, gnomAD 0.007%). This variant has not been reported in the literature in individuals affected with PLEC-related conditions. An algorithm developed to predict the effect of missense changes on protein structure and function (PolyPhen-2) suggests that this variant is likely to be disruptive. In summary, the available evidence is currently insufficient to determine the role of this variant in disease. Therefore, it has been classified as a Variant of Uncertain Significance.